The following is an entry in ClinVar:

ClinVar aggregate classification (germline): Uncertain significance (1 of 4 stars; one submission).

Submission:

Labcorp Genetics (formerly Invitae), Labcorp
Classification: Uncertain significance. Last evaluated: 2019-05-14. Review status: criteria provided, single submitter. Criteria: Invitae Variant Classification Sherloc (09022015). Collection method: clinical testing. Allele origin: germline.
Comment: This variant is not present in population databases (ExAC no frequency). This sequence change replaces phenylalanine with isoleucine at codon 198 of the MSH3 protein (p.Phe198Ile). The phenylalanine residue is weakly conserved and there is a small physicochemical difference between phenylalanine and isoleucine. This variant has not been reported in the literature in individuals with MSH3-related conditions. In summary, the available evidence is currently insufficient to determine the role of this variant in disease. Therefore, it has been classified as a Variant of Uncertain Significance. Algorithms developed to predict the effect of missense changes on protein structure and function (SIFT, PolyPhen-2, Align-GVGD) all suggest that this variant is likely to be tolerated, but these predictions have not been confirmed by published functional studies and their clinical significance is uncertain.

NM_002439.5(MSH3):c.592T>A (p.Phe198Ile)

Gene: MSH3 (mutS homolog 3; plus strand). Cytogenetic location: 5q14.1.
Variant type: single nucleotide variant.
Coding change: c.592T>A on transcript NM_002439.5 (MANE Select); coding-DNA position 592, T replaced by A.
Protein change: p.Phe198Ile; replaces phenylalanine 198 with isoleucine.
Molecular consequence: missense variant.
Genome position (GRCh38, 1-based): chr5:80,670,109, T>A. VCF-style: chr5-80670109-T-A. GRCh37 (hg19) VCF-style: chr5-79965928-T-A.
Other names: short protein forms F198I.
Identifiers: ClinVar variation 863044 (VCV000863044.9), dbSNP rs1749670212, ClinGen allele CA360265887.